The following is an entry in ClinVar:

ClinVar aggregate classification (germline): Uncertain significance (1 of 4 stars; one submission).

Conditions:
STT3B-congenital disorder of glycosylation. Also called: STT3B-CDG; CDG Ix; Congenital disorder of glycosylation type 1x. Identifiers: Orphanet 370924, MedGen C2931007, MONDO:0014271, OMIM 615597.

Allele frequency attached by ClinVar (database versions not stated): ExAC 0.00001; gnomAD 0.00001.
gnomAD v4.1: 1 of 1,603,376 alleles (0.000062%); highest among the groups gnomAD compares: Non-Finnish European, 0.000085%; no homozygotes.

Submission:

Labcorp Genetics (formerly Invitae), Labcorp
Classification: Uncertain significance for STT3B-congenital disorder of glycosylation. Last evaluated: 2023-03-08. Review status: criteria provided, single submitter. Criteria: Invitae Variant Classification Sherloc (09022015). Collection method: clinical testing. Allele origin: germline.
Comment: This sequence change replaces arginine, which is basic and polar, with serine, which is neutral and polar, at codon 129 of the STT3B protein (p.Arg129Ser). This variant is not present in population databases (gnomAD no frequency). This variant has not been reported in the literature in individuals affected with STT3B-related conditions. Advanced modeling of protein sequence and biophysical properties (such as structural, functional, and spatial information, amino acid conservation, physicochemical variation, residue mobility, and thermodynamic stability) performed at Invitae indicates that this missense variant is not expected to disrupt STT3B protein function. In summary, the available evidence is currently insufficient to determine the role of this variant in disease. Therefore, it has been classified as a Variant of Uncertain Significance.

NM_178862.3(STT3B):c.387A>C (p.Arg129Ser)

Gene: STT3B (STT3 oligosaccharyltransferase complex catalytic subunit B; plus strand). Cytogenetic location: 3p23.
Variant type: single nucleotide variant.
Coding change: c.387A>C on transcript NM_178862.3 (MANE Select); coding-DNA position 387, A replaced by C.
Protein change: p.Arg129Ser; replaces arginine 129 with serine.
Molecular consequence: missense variant.
Genome position (GRCh38, 1-based): chr3:31,576,468, A>C. VCF-style: chr3-31576468-A-C. GRCh37 (hg19) VCF-style: chr3-31617960-A-C.
Other names: short protein forms R129S.
Identifiers: ClinVar variation 2795740 (VCV002795740.3), dbSNP rs752375633, ClinGen allele CA2294931.